The following is an entry in ClinVar:

ClinVar aggregate classification (germline): Likely pathogenic. Review status: criteria provided, multiple submitters, no conflicts (2 of 4 stars). 3 submissions from 3 submitters: Likely pathogenic (3). Last evaluated 2025-06-03.

Conditions:
Wolman disease (WOLD). Also called: LYSOSOMAL ACID LIPASE DEFICIENCY, ACUTE INFANTILE; LYSOSOMAL ACID LIPASE DEFICIENCY, COMPLETE; LIPA DEFICIENCY, COMPLETE; LAL DEFICIENCY, COMPLETE; CHOLESTEROL ESTER HYDROLASE DEFICIENCY, COMPLETE; Acid cholesteryl ester hydrolase deficiency, Wolman type. Identifiers: Orphanet 75233, MedGen C0043208, MONDO:0019148, OMIM 620151.
Cholesteryl ester storage disease (CESD). Also called: Childhood/Adult-Onset LAL-D (Cholesterol Ester Storage Disease [CESD]). Identifiers: Orphanet 75234, MedGen C0008384, MONDO:0019149, OMIM 278000.
Lysosomal acid lipase deficiency. Also called: Acid cholesteryl ester hydrolase deficiency, type 2. Identifiers: Orphanet 275761, MedGen C5574740, MONDO:0800449, MONDO:0010204.

Submissions (3):

Natera, Inc.
Classification: Likely pathogenic for Lysosomal acid lipase deficiency. Last evaluated: 2025-06-03. Review status: criteria provided, single submitter. Criteria: Natera Variant Classification Schema (03/2026). Collection method: clinical testing. Allele origin: germline.
Comment: The c.617_619dupTCG variant in LIPA is an in-frame duplication. This variant is rare in the general population with a frequency below the threshold expected for the associated phenotype(s). This variant has been observed in one or more individuals affected with the associated recessive disease, as either homozygous or compound heterozygous with a second variant (PMID: 30249571). Additionally, this variant has been observed to segregate in affected family members (PMID: 30249571). This variant results in a change to the protein length while preserving reading frame, which may disrupt normal protein structure or function. Multiple computational prediction algorithms suggest this variant is unlikely to affect gene or protein function. Given the available evidence, this variant is classified as Likely Pathogenic.

Genomic Medicine Center of Excellence, King Faisal Specialist Hospital and Research Centre
Classification: Likely pathogenic for Cholesteryl ester storage disease. Last evaluated: 2024-03-26. Review status: criteria provided, single submitter. Criteria: ACMG Guidelines, 2015. Collection method: clinical testing. Allele origin: germline.

Labcorp Genetics (formerly Invitae), Labcorp
Classification: Likely pathogenic for Wolman disease. Last evaluated: 2022-02-05. Review status: criteria provided, single submitter. Criteria: Invitae Variant Classification Sherloc (09022015). Collection method: clinical testing. Allele origin: germline.
Comment: In summary, the currently available evidence indicates that the variant is pathogenic, but additional data are needed to prove that conclusively. Therefore, this variant has been classified as Likely Pathogenic. This variant has been observed in individual(s) with clinical features of lysosomal acid lipase deficiency (PMID: 30249571). In at least one individual the data is consistent with being in trans (on the opposite chromosome) from a pathogenic variant. It has also been observed to segregate with disease in related individuals. This variant is not present in population databases (gnomAD no frequency). This variant, c.617_619dup, results in the insertion of 1 amino acid(s) of the LIPA protein (p.Val206dup), but otherwise preserves the integrity of the reading frame.

Literature cited by the submitters: PubMed 30249571 (cited by Natera, Inc. and Labcorp Genetics (formerly Invitae), Labcorp).

NM_000235.4(LIPA):c.617_619dup (p.Val206dup)

Gene: LIPA (lipase A, lysosomal acid type; minus strand). Cytogenetic location: 10q23.31.
Variant type: Duplication.
Coding change: c.617_619dup on transcript NM_000235.4 (MANE Select); coding-DNA positions 617 to 619, 3 bases duplicated (TCG; older notation c.617_619dupTCG).
Protein change: p.Val206dup; duplicates valine 206.
Molecular consequence: inframe insertion.
Genome position (GRCh38, 1-based): chr10:89,225,148-89,225,150, CGA duplicated on the plus strand (TCG on the coding strand, the reverse complement: LIPA is on the minus strand); duplicating any 3 consecutive bases within chr10:89,225,148-89,225,152 gives the same sequence; the c. name uses the placement nearest the transcript's 3' end. VCF-style (leftmost placement, unchanged base first): chr10-89225147-G-GCGA. GRCh37 (hg19) VCF-style: chr10-90984904-G-GCGA.
Other names: c.617_619dup, p.Val206dup (NM_001127605.3); c.269_271dup, p.Val90dup (NM_001288979.2); c.617_619dupTCG (NM_000235.3).
Identifiers: ClinVar variation 1511921 (VCV001511921.10), dbSNP rs2133429462, ClinGen allele CA2573145917.